The following is an entry in ClinVar:

NM_001375524.1(TRRAP):c.8826+4C>T

Gene: TRRAP (transformation/transcription domain associated protein; plus strand). Cytogenetic location: 7q22.1.
Variant type: single nucleotide variant.
Coding change: c.8826+4C>T on transcript NM_001375524.1 (MANE Select); 4 bases into the intron after coding-DNA position 8826, C replaced by T.
Molecular consequence: intron variant.
Genome position (GRCh38, 1-based): chr7:98,981,964, C>T. VCF-style: chr7-98981964-C-T. GRCh37 (hg19) VCF-style: chr7-98579587-C-T.
Other names: c.8805+4C>T (NM_001244580.2); c.8751+4C>T (NM_003496.4).
Identifiers: ClinVar variation 4705623 (VCV004705623.1).

ClinVar aggregate classification (germline): Uncertain significance (1 of 4 stars; one submission).

gnomAD v4.1: 19 of 1,570,828 alleles (0.0012%); highest among the groups gnomAD compares: East Asian, 0.023%; no homozygotes.

Submission:

Labcorp Genetics (formerly Invitae), Labcorp
Classification: Uncertain significance. Last evaluated: 2025-08-12. Review status: criteria provided, single submitter. Criteria: Invitae Variant Classification Sherloc (09022015). Collection method: clinical testing. Allele origin: germline.
Comment: This sequence change falls in intron 57 of the TRRAP gene. It does not directly change the encoded amino acid sequence of the TRRAP protein. It affects a nucleotide within the consensus splice site. This variant is present in population databases (rs753023361, gnomAD 0.04%). This variant has not been reported in the literature in individuals affected with TRRAP-related conditions. Variants that disrupt the consensus splice site are a relatively common cause of aberrant splicing (PMID: 17576681, 9536098). Algorithms developed to predict the effect of sequence changes on RNA splicing suggest that this variant is not likely to affect RNA splicing. In summary, the available evidence is currently insufficient to determine the role of this variant in disease. Therefore, it has been classified as a Variant of Uncertain Significance.

Literature cited by the submitters: PubMed 17576681; PubMed 9536098.